The following is an entry in ClinVar:

ClinVar aggregate classification (germline): Uncertain significance. Review status: criteria provided, multiple submitters, no conflicts (2 of 4 stars). 3 submissions from 3 submitters: Uncertain significance (3). Last evaluated 2023-04-11.

Conditions:
Inborn genetic diseases. Identifiers: MedGen C0950123, MeSH D030342.
Microcephaly 5, primary, autosomal recessive (MCPH5). Also called: ASPM Primary Microcephaly. Identifiers: Orphanet 2512, MedGen C1837501, MONDO:0012106, OMIM 608716.

Allele frequency attached by ClinVar (database versions not stated): ESP Exome Variant Server 0.00008; gnomAD 0.00002; gnomAD exomes 0.00003; ExAC 0.00007.

Submissions (3):

Genome-Nilou Lab
Classification: Uncertain significance for Microcephaly 5, primary, autosomal recessive. Last evaluated: 2023-04-11. Review status: criteria provided, single submitter. Criteria: ACMG Guidelines, 2015. Collection method: clinical testing. Allele origin: germline. Affected: no.

Labcorp Genetics (formerly Invitae), Labcorp
Classification: Uncertain significance. Last evaluated: 2022-08-20. Review status: criteria provided, single submitter. Criteria: Invitae Variant Classification Sherloc (09022015). Collection method: clinical testing. Allele origin: germline.
Comment: In summary, the available evidence is currently insufficient to determine the role of this variant in disease. Therefore, it has been classified as a Variant of Uncertain Significance. Algorithms developed to predict the effect of missense changes on protein structure and function (SIFT, PolyPhen-2, Align-GVGD) all suggest that this variant is likely to be tolerated. This variant has not been reported in the literature in individuals affected with ASPM-related conditions. This variant is present in population databases (rs370813778, gnomAD 0.1%). This sequence change replaces alanine, which is neutral and non-polar, with valine, which is neutral and non-polar, at codon 881 of the ASPM protein (p.Ala881Val).

Ambry Genetics
Classification: Uncertain significance for Inborn genetic diseases. Last evaluated: 2021-12-22. Review status: criteria provided, single submitter. Criteria: Ambry Variant Classification Scheme 2023. Collection method: clinical testing. Allele origin: germline.

NM_018136.5(ASPM):c.2642C>T (p.Ala881Val)

Gene: ASPM (assembly factor for spindle microtubules; minus strand). Cytogenetic location: 1q31.3.
Variant type: single nucleotide variant.
Coding change: c.2642C>T on transcript NM_018136.5 (MANE Select); coding-DNA position 2642, C replaced by T.
Protein change: p.Ala881Val; replaces alanine 881 with valine.
Molecular consequence: missense variant.
Genome position (GRCh38, 1-based): chr1:197,129,305, G>A on the plus strand (C>T on the coding strand, the complement: ASPM is on the minus strand). VCF-style: chr1-197129305-G-A. GRCh37 (hg19) VCF-style: chr1-197098435-G-A.
Other names: c.2642C>T (NM_018136.4); c.2642C>T, p.Ala881Val (NM_001206846.2); short protein forms A881V.
Identifiers: ClinVar variation 2190933 (VCV002190933.5), dbSNP rs370813778, ClinGen allele CA1310391.